The following is an entry in ClinVar:

NM_003327.4(TNFRSF4):c.722G>A (p.Arg241Gln)

Gene: TNFRSF4 (TNF receptor superfamily member 4; minus strand). Cytogenetic location: 1p36.33.
Variant type: single nucleotide variant.
Coding change: c.722G>A on transcript NM_003327.4 (MANE Select); coding-DNA position 722, G replaced by A.
Protein change: p.Arg241Gln; replaces arginine 241 with glutamine.
Molecular consequence: missense variant.
Genome position (GRCh38, 1-based): chr1:1,211,745, C>T on the plus strand (G>A on the coding strand, the complement: TNFRSF4 is on the minus strand). VCF-style: chr1-1211745-C-T. GRCh37 (hg19) VCF-style: chr1-1147125-C-T.
Other names: short protein forms R241Q.
Identifiers: ClinVar variation 1064159 (VCV001064159.9), dbSNP rs776902723, ClinGen allele CA512367.

ClinVar aggregate classification (germline): Uncertain significance (1 of 4 stars; one submission).

Conditions:
Combined immunodeficiency due to OX40 deficiency. Also called: Immunodeficiency 16; OX40 DEFICIENCY. Identifiers: Orphanet 431149, MedGen C3810053, MONDO:0014268, OMIM 615593.

Allele frequency attached by ClinVar (database versions not stated): gnomAD 0.00004; TOPMed 0.00009; gnomAD exomes 0.00011; ExAC 0.00013.

Submission:

Labcorp Genetics (formerly Invitae), Labcorp
Classification: Uncertain significance for Combined immunodeficiency due to OX40 deficiency. Last evaluated: 2025-09-20. Review status: criteria provided, single submitter. Criteria: Invitae Variant Classification Sherloc (09022015). Collection method: clinical testing. Allele origin: germline.
Comment: This sequence change replaces arginine, which is basic and polar, with glutamine, which is neutral and polar, at codon 241 of the TNFRSF4 protein (p.Arg241Gln). This variant is present in population databases (rs776902723, gnomAD 0.07%), and has an allele count higher than expected for a pathogenic variant. This variant has not been reported in the literature in individuals affected with TNFRSF4-related conditions. ClinVar contains an entry for this variant (Variation ID: 1064159). Invitae Evidence Modeling of protein sequence and biophysical properties (such as structural, functional, and spatial information, amino acid conservation, physicochemical variation, residue mobility, and thermodynamic stability) indicates that this missense variant is not expected to disrupt TNFRSF4 protein function with a negative predictive value of 80%. In summary, the available evidence is currently insufficient to determine the role of this variant in disease. Therefore, it has been classified as a Variant of Uncertain Significance.